The following is an entry in ClinVar:

NM_001286577.2(C2CD3):c.3062C>T (p.Ala1021Val)

Gene: C2CD3 (C2 domain containing 3 centriole elongation regulator; minus strand). Cytogenetic location: 11q13.4.
Variant type: single nucleotide variant.
Coding change: c.3062C>T on transcript NM_001286577.2 (MANE Select); coding-DNA position 3062, C replaced by T.
Protein change: p.Ala1021Val; replaces alanine 1021 with valine.
Molecular consequence: missense variant.
Genome position (GRCh38, 1-based): chr11:74,095,326, G>A on the plus strand (C>T on the coding strand, the complement: C2CD3 is on the minus strand). VCF-style: chr11-74095326-G-A. GRCh37 (hg19) VCF-style: chr11-73806371-G-A.
Other names: c.3062C>T, p.Ala1021Val (NM_015531.6); short protein forms A1021V.
Identifiers: ClinVar variation 1956407 (VCV001956407.5), dbSNP rs570668370, ClinGen allele CA224507940.

ClinVar aggregate classification (germline): Uncertain significance (1 of 4 stars; one submission).

gnomAD v4.1: 2 of 1,613,588 alleles (0.00012%); no homozygotes.

Submission:

Labcorp Genetics (formerly Invitae), Labcorp
Classification: Uncertain significance. Last evaluated: 2022-04-22. Review status: criteria provided, single submitter. Criteria: Invitae Variant Classification Sherloc (09022015). Collection method: clinical testing. Allele origin: germline.
Comment: This sequence change replaces alanine, which is neutral and non-polar, with valine, which is neutral and non-polar, at codon 1021 of the C2CD3 protein (p.Ala1021Val). This variant is not present in population databases (gnomAD no frequency). This variant has not been reported in the literature in individuals affected with C2CD3-related conditions. Algorithms developed to predict the effect of missense changes on protein structure and function are either unavailable or do not agree on the potential impact of this missense change (SIFT: "Deleterious"; PolyPhen-2: "Possibly Damaging"; Align-GVGD: "Class C0"). Algorithms developed to predict the effect of sequence changes on RNA splicing suggest that this variant may create or strengthen a splice site. In summary, the available evidence is currently insufficient to determine the role of this variant in disease. Therefore, it has been classified as a Variant of Uncertain Significance.